The following is an entry in ClinVar:

NM_001032283.3(TMPO):c.565+2182T>C

Gene: TMPO (thymopoietin; plus strand). Cytogenetic location: 12q23.1.
Variant type: single nucleotide variant.
Coding change: c.565+2182T>C on transcript NM_001032283.3 (MANE Select); 2182 bases into the intron after coding-DNA position 565, T replaced by C.
Molecular consequence: intron variant. On other transcripts: missense variant (1).
Genome position (GRCh38, 1-based): chr12:98,534,020, T>C. VCF-style: chr12-98534020-T-C. GRCh37 (hg19) VCF-style: chr12-98927798-T-C.
Other names: c.1763T>C, p.Phe588Ser (NM_003276.2); c.565+2182T>C (NM_001307975.2, NM_001032284.3); short protein forms F588S.
Identifiers: ClinVar variation 1311139 (VCV001311139.13), dbSNP rs571417296, ClinGen allele CA6732478.

ClinVar aggregate classification (germline): Conflicting classifications of pathogenicity. Review status: criteria provided, conflicting classifications (1 of 4 stars). 3 submissions from 3 submitters: Uncertain significance (2); Likely benign (1). Last evaluated 2025-10-29.

Conditions:
Loeys-Dietz syndrome 2 (LDS2). Also called: Marfan syndrome, type 2 (formerly); TGFBR2-Related Loeys-Dietz Syndrome; AORTIC ANEURYSM, FAMILIAL THORACIC 3; MARFAN SYNDROME, TYPE II; Marfan Syndrome type 2; Marfan like connective tissue disorder. Identifiers: Orphanet 284973, Orphanet 558, MedGen C2674574, MONDO:0012427, OMIM 610168.

Allele frequency attached by ClinVar (database versions not stated): gnomAD exomes 0.00001 and 0.00002; ExAC 0.00002; TOPMed 0.00011; gnomAD 0.00012 and 0.00013; 1000 Genomes Project 0.00020; 1000 Genomes Project 30x 0.00031.
gnomAD v4.1: 28 of 1,608,146 alleles (0.0017%); highest among the groups gnomAD compares: African/African-American, 0.033%; no homozygotes.

Submissions (3):

Labcorp Genetics (formerly Invitae), Labcorp
Classification: Uncertain significance for Loeys-Dietz syndrome 2. Last evaluated: 2025-10-29. Review status: criteria provided, single submitter. Criteria: Invitae Variant Classification Sherloc (09022015). Collection method: clinical testing. Allele origin: germline.
Comment: This sequence change replaces phenylalanine, which is neutral and non-polar, with serine, which is neutral and polar, at codon 588 of the TMPO protein (p.Phe588Ser). This variant is present in population databases (rs571417296, gnomAD 0.04%). This variant has not been reported in the literature in individuals affected with TMPO-related conditions. ClinVar contains an entry for this variant (Variation ID: 1311139). Invitae Evidence Modeling of protein sequence and biophysical properties (such as structural, functional, and spatial information, amino acid conservation, physicochemical variation, residue mobility, and thermodynamic stability) indicates that this missense variant is not expected to disrupt TMPO protein function with a negative predictive value of 80%. In summary, the available evidence is currently insufficient to determine the role of this variant in disease. Therefore, it has been classified as a Variant of Uncertain Significance.

GeneDx
Classification: Uncertain significance. Last evaluated: 2024-05-13. Review status: criteria provided, single submitter. Criteria: GeneDx Variant Classification Process June 2021. Collection method: clinical testing. Allele origin: germline. Affected: yes.
Comment: Has not been previously published as pathogenic or benign to our knowledge; In silico analysis indicates that this missense variant does not alter protein structure/function

Ambry Genetics
Classification: Likely benign. Last evaluated: 2022-03-03. Review status: criteria provided, single submitter. Criteria: Ambry Variant Classification Scheme 2023. Collection method: clinical testing. Allele origin: germline.